The following is an entry in ClinVar:

ClinVar aggregate classification (germline): Uncertain significance. Review status: criteria provided, multiple submitters, no conflicts (2 of 4 stars). 3 submissions from 3 submitters: Uncertain significance (3). Last evaluated 2025-04-17.

Conditions:
Hereditary cancer-predisposing syndrome. Also called: Hereditary neoplastic syndrome; Neoplastic Syndromes, Hereditary; Tumor predisposition; Hereditary Cancer Syndrome. Identifiers: Orphanet 140162, MedGen C0027672, MeSH D009386, MONDO:0015356.

Submissions (3):

Labcorp Genetics (formerly Invitae), Labcorp
Classification: Uncertain significance. Last evaluated: 2025-04-17. Review status: criteria provided, single submitter. Criteria: Invitae Variant Classification Sherloc (09022015). Collection method: clinical testing. Allele origin: germline.
Comment: This variant, c.759_761del, is a complex sequence change that results in the deletion of 2 and insertion of 1 amino acid(s) in the SMARCB1 protein (p.Ile253_Leu254delinsMet). This variant is not present in population databases (gnomAD no frequency). This variant has been observed in individual(s) with clinical features of SMARCB1-related conditions (PMID: 37500730). ClinVar contains an entry for this variant (Variation ID: 941663). Experimental studies and prediction algorithms are not available or were not evaluated, and the functional significance of this variant is currently unknown. In summary, the available evidence is currently insufficient to determine the role of this variant in disease. Therefore, it has been classified as a Variant of Uncertain Significance.

Ambry Genetics
Classification: Uncertain significance for Hereditary cancer-predisposing syndrome. Last evaluated: 2025-02-13. Review status: criteria provided, single submitter. Criteria: Ambry Variant Classification Scheme 2023. Collection method: clinical testing. Allele origin: germline.
Comment: The c.759_761delCCT variant (also known as p.I253_L254delinsM) is located in coding exon 6 of the SMARCB1 gene. This variant results from an in-frame CCT deletion at nucleotide positions 759 to 761. The isoleucine and leucine residues at codons 253 and 254 are replaced by a methionine residue, an amino acid with highly similar properties. This amino acid region is not well conserved in available vertebrate species. In addition, this alteration is predicted to be deleterious by in silico analysis (Choi Y et al. PLoS ONE. 2012; 7(10):e46688). This variant has been detected in multiple individuals with no reported features of Coffin-Siris syndrome (Ambry internal data). Based on the supporting evidence, the association of this alteration with rhabdoid tumor predisposition syndrome is unknown; however, the association of this alteration with Coffin-Siris syndrome is unlikely.

GeneDx
Classification: Uncertain significance. Last evaluated: 2023-10-30. Review status: criteria provided, single submitter. Criteria: GeneDx Variant Classification Process June 2021. Collection method: clinical testing. Allele origin: germline. Affected: yes.
Comment: In-frame deletion of 2 amino acids replaced by 1 amino acid in a non-repeat region; Has not been previously published as pathogenic or benign to our knowledge; Not observed at significant frequency in large population cohorts (gnomAD); In silico analysis supports that this variant does not alter protein structure/function

Literature cited by the submitters: PubMed 37500730 (cited by Labcorp Genetics (formerly Invitae), Labcorp).

NM_003073.5(SMARCB1):c.759_761del (p.Ile253_Leu254delinsMet)

Gene: SMARCB1 (SWI/SNF related BAF chromatin remodeling complex subunit B1; plus strand). Cytogenetic location: 22q11.23.
Variant type: Deletion.
Coding change: c.759_761del on transcript NM_003073.5 (MANE Select); coding-DNA positions 759 to 761, 3 bases deleted (CCT; older notation c.759_761delCCT).
Protein change: p.Ile253_Leu254delinsMet.
Molecular consequence: inframe indel.
Genome position (GRCh38, 1-based): chr22:23,816,900-23,816,902, CCT deleted; deleting any 3 consecutive bases within chr22:23,816,899-23,816,902 gives the same sequence; the c. name uses the placement nearest the transcript's 3' end. VCF-style (leftmost placement, unchanged base first): chr22-23816898-ATCC-A. GRCh37 (hg19) VCF-style: chr22-24159085-ATCC-A.
Other names: c.759_761delCCT (NM_003073.3); c.732_734del, p.Ile244_Leu245delinsMet (NM_001007468.3); c.786_788del, p.Ile262_Leu263delinsMet (NM_001317946.2); c.813_815del, p.Ile271_Leu272delinsMet (NM_001362877.2).
Identifiers: ClinVar variation 941663 (VCV000941663.14), dbSNP rs1930227319, ClinGen allele CA1024512133.